The following is an entry in ClinVar:

ClinVar aggregate classification (germline): Uncertain significance (1 of 4 stars; one submission).

Conditions:
Tumor predisposition syndrome 3 (TPDS3). Also called: Melanoma, cutaneous malignant, susceptibility to, 10; LONG TELOMERE SYNDROME, POT1-RELATED; POT1 Tumor Predisposition; Glioma susceptibility 9. Identifiers: Orphanet 618, MedGen C4014476, MONDO:0014368, OMIM 615848.

Submission:

Labcorp Genetics (formerly Invitae), Labcorp
Classification: Uncertain significance for Tumor predisposition syndrome 3. Last evaluated: 2021-04-16. Review status: criteria provided, single submitter. Criteria: Invitae Variant Classification Sherloc (09022015). Collection method: clinical testing. Allele origin: germline.
Comment: In summary, the available evidence is currently insufficient to determine the role of this variant in disease. Therefore, it has been classified as a Variant of Uncertain Significance. Algorithms developed to predict the effect of missense changes on protein structure and function output the following: SIFT: "Tolerated"; PolyPhen-2: "Benign"; Align-GVGD: "Class C0". The alanine amino acid residue is found in multiple mammalian species, suggesting that this missense change does not adversely affect protein function. These predictions have not been confirmed by published functional studies and their clinical significance is uncertain. This variant has not been reported in the literature in individuals with POT1-related conditions. This variant is not present in population databases (ExAC no frequency). This sequence change replaces serine with alanine at codon 417 of the POT1 protein (p.Ser417Ala). The serine residue is moderately conserved and there is a moderate physicochemical difference between serine and alanine.

NM_015450.3(POT1):c.1249T>G (p.Ser417Ala)

Gene: POT1 (protection of telomeres 1; minus strand). Cytogenetic location: 7q31.33.
Variant type: single nucleotide variant.
Coding change: c.1249T>G on transcript NM_015450.3 (MANE Select); coding-DNA position 1249, T replaced by G.
Protein change: p.Ser417Ala; replaces serine 417 with alanine.
Molecular consequence: missense variant. On other transcripts: non-coding transcript variant (3).
Genome position (GRCh38, 1-based): chr7:124,841,093, A>C on the plus strand (T>G on the coding strand, the complement: POT1 is on the minus strand). VCF-style: chr7-124841093-A-C. GRCh37 (hg19) VCF-style: chr7-124481147-A-C.
Other names: c.856T>G, p.Ser286Ala (NM_001042594.2); short protein forms S286A, S417A.
Identifiers: ClinVar variation 1488590 (VCV001488590.8), dbSNP rs1348018882, ClinGen allele CA369067438.